The following is an entry in ClinVar:

ClinVar aggregate classification (germline): Uncertain significance. Review status: criteria provided, multiple submitters, no conflicts (2 of 4 stars). 2 submissions from 2 submitters: Uncertain significance (2). Last evaluated 2025-08-26.

Conditions:
BBS10-related disorder. Also called: BBS10-related condition.
Bardet-Biedl syndrome 10 (BBS10). Identifiers: Orphanet 110, MedGen C1859568, MONDO:0014438, OMIM 615987.

Submissions (2):

PreventionGenetics, part of Exact Sciences
Classification: Uncertain significance for BBS10-related condition. Last evaluated: 2025-08-26. Review status: criteria provided, single submitter. Criteria: ACMG Guidelines, 2015. Collection method: clinical testing. Allele origin: germline.
Comment: The BBS10 c.1927G>A variant is predicted to result in the amino acid substitution p.Val643Ile. To our knowledge, this variant has not been reported in the literature. This variant is reported in 0.0062% of alleles in individuals of African descent in gnomAD. At this time, the clinical significance of this variant is uncertain due to the absence of conclusive functional and genetic evidence.

Fulgent Genetics
Classification: Uncertain significance for Bardet-Biedl syndrome 10. Last evaluated: 2024-04-20. Review status: criteria provided, single submitter. Criteria: ACMG Guidelines, 2015. Collection method: clinical testing. Allele origin: germline.

NM_024685.4(BBS10):c.1927G>A (p.Val643Ile)

Gene: BBS10 (Bardet-Biedl syndrome 10; minus strand). Cytogenetic location: 12q21.2.
Variant type: single nucleotide variant.
Coding change: c.1927G>A on transcript NM_024685.4 (MANE Select); coding-DNA position 1927, G replaced by A.
Protein change: p.Val643Ile; replaces valine 643 with isoleucine.
Molecular consequence: missense variant.
Genome position (GRCh38, 1-based): chr12:76,346,058, C>T on the plus strand (G>A on the coding strand, the complement: BBS10 is on the minus strand). VCF-style: chr12-76346058-C-T. GRCh37 (hg19) VCF-style: chr12-76739838-C-T.
Other names: c.1927G>A (NM_024685.3); short protein forms V643I.
Identifiers: ClinVar variation 3575272 (VCV003575272.2).